The following is an entry in ClinVar:

NM_002661.5(PLCG2):c.3186G>A (p.Thr1062=)

Gene: PLCG2 (phospholipase C gamma 2; plus strand). Cytogenetic location: 16q23.3.
Variant type: single nucleotide variant.
Coding change: c.3186G>A on transcript NM_002661.5 (MANE Select); coding-DNA position 3186, G replaced by A.
Protein change: p.Thr1062=; no amino-acid change (threonine 1062 retained).
Molecular consequence: synonymous variant.
Genome position (GRCh38, 1-based): chr16:81,937,891, G>A. VCF-style: chr16-81937891-G-A. GRCh37 (hg19) VCF-style: chr16-81971496-G-A.
Identifiers: ClinVar variation 733452 (VCV000733452.11), dbSNP rs750433397, ClinGen allele CA8194590.

ClinVar aggregate classification (germline): Likely benign. Review status: criteria provided, multiple submitters, no conflicts (2 of 4 stars). 2 submissions from 2 submitters: Likely benign (2). Last evaluated 2024-12-13.

Conditions:
Familial cold autoinflammatory syndrome 3 (FCAS3). Also called: ANTIBODY DEFICIENCY AND IMMUNE DYSREGULATION, PLCG2-ASSOCIATED; FAMILIAL ATYPICAL COLD URTICARIA. Identifiers: Orphanet 300359, MedGen C3280914, MONDO:0013766, OMIM 614468.
PLCG2-related disorder. Also called: PLCG2-related condition.

Allele frequency attached by ClinVar (database versions not stated): gnomAD 0.00003; TOPMed 0.00004.
gnomAD v4.1: 18 of 1,613,910 alleles (0.0011%); highest among the groups gnomAD compares: African/African-American, 0.0053%; no homozygotes.

Submissions (2):

PreventionGenetics, part of Exact Sciences
Classification: Likely benign for PLCG2-related condition. Last evaluated: 2024-12-13. Review status: criteria provided, single submitter. Criteria: ACMG Guidelines, 2015. Collection method: clinical testing. Allele origin: germline.
Comment: This variant is classified as likely benign based on ACMG/AMP sequence variant interpretation guidelines (Richards et al. 2015 PMID: 25741868, with internal and published modifications).

Labcorp Genetics (formerly Invitae), Labcorp
Classification: Likely benign for Familial cold autoinflammatory syndrome 3. Last evaluated: 2024-10-07. Review status: criteria provided, single submitter. Criteria: Invitae Variant Classification Sherloc (09022015). Collection method: clinical testing. Allele origin: germline.